The following is an entry in ClinVar:

ClinVar aggregate classification (germline): Conflicting classifications of pathogenicity. Review status: criteria provided, conflicting classifications (1 of 4 stars). 2 submissions from 2 submitters: Uncertain significance (1); Likely benign (1). Last evaluated 2024-08-01.

Conditions:
Hereditary cancer-predisposing syndrome. Also called: Tumor predisposition; Neoplastic Syndromes, Hereditary; Hereditary Cancer Syndrome; Hereditary neoplastic syndrome. Identifiers: Orphanet 140162, MedGen C0027672, MeSH D009386, MONDO:0015356.
Ataxia-telangiectasia syndrome (AT). Also called: ATAXIA-TELANGIECTASIA, COMPLEMENTATION GROUP A; ATAXIA-TELANGIECTASIA, FRESNO VARIANT; Ataxia-telangiectasia; Ataxia-telangiectasia, complementation group D; AT, COMPLEMENTATION GROUP C; Ataxia-telangiectasia, complementation group E. Identifiers: Orphanet 100, MedGen C0004135, MONDO:0008840, OMIM 208900.

Allele frequency attached by ClinVar (database versions not stated): gnomAD exomes below 0.00001.
gnomAD v4.1: 1 of 1,613,964 alleles (0.000062%); highest among the groups gnomAD compares: Non-Finnish European, 0.000085%; no homozygotes.

Submissions (2):

Ambry Genetics
Classification: Likely benign for Hereditary cancer-predisposing syndrome. Last evaluated: 2024-08-01. Review status: criteria provided, single submitter. Criteria: Ambry Variant Classification Scheme 2023. Collection method: clinical testing. Allele origin: germline.

Labcorp Genetics (formerly Invitae), Labcorp
Classification: Uncertain significance for Ataxia-telangiectasia syndrome. Last evaluated: 2022-10-29. Review status: criteria provided, single submitter. Criteria: Invitae Variant Classification Sherloc (09022015). Collection method: clinical testing. Allele origin: germline.
Comment: In summary, the available evidence is currently insufficient to determine the role of this variant in disease. Therefore, it has been classified as a Variant of Uncertain Significance. Algorithms developed to predict the effect of missense changes on protein structure and function output the following: SIFT: "Tolerated"; PolyPhen-2: "Benign"; Align-GVGD: "Class C0". The threonine amino acid residue is found in multiple mammalian species, which suggests that this missense change does not adversely affect protein function. ClinVar contains an entry for this variant (Variation ID: 826807). This variant has not been reported in the literature in individuals affected with ATM-related conditions. This variant is not present in population databases (gnomAD no frequency). This sequence change replaces alanine, which is neutral and non-polar, with threonine, which is neutral and polar, at codon 2354 of the ATM protein (p.Ala2354Thr).

NM_000051.4(ATM):c.7060G>A (p.Ala2354Thr)

Genes: ATM (ATM serine/threonine kinase; plus strand), C11orf65 (chromosome 11 open reading frame 65; minus strand). Cytogenetic location: 11q22.3.
Variant type: single nucleotide variant.
Coding change: c.7060G>A on transcript NM_000051.4 (MANE Select); coding-DNA position 7060, G replaced by A.
Protein change: p.Ala2354Thr; replaces alanine 2354 with threonine.
Molecular consequence: missense variant. On other transcripts: intron variant (2).
Genome position (GRCh38, 1-based): chr11:108,327,729, G>A. VCF-style: chr11-108327729-G-A. GRCh37 (hg19) VCF-style: chr11-108198456-G-A.
Other names: c.7060G>A, p.Ala2354Thr (NM_001351834.2); c.641-18658C>T (NM_001330368.2); c.*38+7491C>T (NM_001351110.2); short protein forms A2354T.
Identifiers: ClinVar variation 826807 (VCV000826807.13), dbSNP rs1591142727, ClinGen allele CA382559017.